The following is an entry in ClinVar:

ClinVar aggregate classification (germline): Uncertain significance (1 of 4 stars; one submission).

Conditions:
DAGLA-related disorder. Also called: DAGLA-related condition.

Submission:

PreventionGenetics, part of Exact Sciences
Classification: Uncertain significance for DAGLA-related condition. Last evaluated: 2025-03-12. Review status: criteria provided, single submitter. Criteria: ACMG Guidelines, 2015. Collection method: clinical testing. Allele origin: germline.
Comment: The DAGLA c.856A>T variant is predicted to result in the amino acid substitution p.Met286Leu. To our knowledge, this variant has not been reported in the literature or in a large population database, indicating this variant is rare. At this time, the clinical significance of this variant is uncertain due to the absence of conclusive functional and genetic evidence.

NM_006133.3(DAGLA):c.856A>T (p.Met286Leu)

Gene: DAGLA (diacylglycerol lipase alpha; plus strand). Cytogenetic location: 11q12.2.
Variant type: single nucleotide variant.
Coding change: c.856A>T on transcript NM_006133.3 (MANE Select); coding-DNA position 856, A replaced by T.
Protein change: p.Met286Leu; replaces methionine 286 with leucine.
Molecular consequence: missense variant.
Genome position (GRCh38, 1-based): chr11:61,731,323, A>T. VCF-style: chr11-61731323-A-T. GRCh37 (hg19) VCF-style: chr11-61498795-A-T.
Other names: short protein forms M286L.
Identifiers: ClinVar variation 2632571 (VCV002632571.4), dbSNP rs2540738205, ClinGen allele CA380698669.